The following is an entry in ClinVar:

NM_022841.7(RFX7):c.1475C>A (p.Ser492Tyr)

Gene: RFX7 (regulatory factor X7; minus strand). Cytogenetic location: 15q21.3.
Variant type: single nucleotide variant.
Coding change: c.1475C>A on transcript NM_022841.7 (MANE Select); coding-DNA position 1475, C replaced by A.
Protein change: p.Ser492Tyr; replaces serine 492 with tyrosine.
Molecular consequence: missense variant.
Genome position (GRCh38, 1-based): chr15:56,096,253, G>T on the plus strand (C>A on the coding strand, the complement: RFX7 is on the minus strand). VCF-style: chr15-56096253-G-T. GRCh37 (hg19) VCF-style: chr15-56388451-G-T.
Other names: c.1184C>A, p.Ser395Tyr (NM_001368073.2, NM_001368074.1, NM_001370554.1); c.1475C>A, p.Ser492Tyr (NM_001370561.1); short protein forms S395Y, S492Y.
Identifiers: ClinVar variation 3343839 (VCV003343839.1).

ClinVar aggregate classification (germline): Uncertain significance (1 of 4 stars; one submission).

Submission:

GeneDx
Classification: Uncertain significance. Last evaluated: 2021-08-13. Review status: criteria provided, single submitter. Criteria: GeneDx Variant Classification Process June 2021. Collection method: clinical testing. Allele origin: germline. Affected: yes.
Comment: Not observed at significant frequency in large population cohorts (gnomAD); In silico analysis supports that this missense variant does not alter protein structure/function; Has not been previously published as pathogenic or benign to our knowledge